The following is an entry in ClinVar:

ClinVar aggregate classification (germline): Likely benign. Review status: criteria provided, multiple submitters, no conflicts (2 of 4 stars). 2 submissions from 2 submitters: Likely benign (2). Last evaluated 2024-05-14.

Conditions:
Malignant hyperthermia, susceptibility to, 1 (MHS1). Also called: Anesthesia related hyperthermia; Malignant hyperpyrexia; Fulminating hyperpyrexia; Pharmacogenic myopathy; Malignant hyperthermia suceptibility 1; RYR1-Related Malignant Hyperthermia Susceptibility. Identifiers: Orphanet 423, MedGen C2930980, MONDO:0007783, OMIM 145600.

Submissions (2):

All of Us Research Program, National Institutes of Health
Classification: Likely benign for Malignant hyperthermia, susceptibility to, 1. Last evaluated: 2024-05-14. Review status: criteria provided, single submitter. Criteria: ACMG Guidelines, 2015. Collection method: clinical testing. Allele origin: germline. Inheritance: Autosomal dominant inheritance. Observed: 1 variant allele, 1 heterozygote.
Comment: This study involves interpretation of variants in research participants for the purpose of population health screening. Participant phenotype was not available at the time of variant classification. Additional details can be found in publication PMID: 35346344, PMCID: PMC8962531

Color Diagnostics, LLC DBA Color Health
Classification: Likely benign for Malignant hyperthermia, susceptibility to, 1. Last evaluated: 2022-11-06. Review status: criteria provided, single submitter. Criteria: ACMG Guidelines, 2015. Collection method: clinical testing. Allele origin: germline.

NM_000540.3(RYR1):c.8892G>C (p.Leu2964=)

Gene: RYR1 (ryanodine receptor 1; plus strand). Cytogenetic location: 19q13.2.
Variant type: single nucleotide variant.
Coding change: c.8892G>C on transcript NM_000540.3 (MANE Select); coding-DNA position 8892, G replaced by C.
Protein change: p.Leu2964=; no amino-acid change (leucine 2964 retained).
Molecular consequence: synonymous variant.
Genome position (GRCh38, 1-based): chr19:38,507,787, G>C. VCF-style: chr19-38507787-G-C. GRCh37 (hg19) VCF-style: chr19-38998427-G-C.
Other names: c.8892G>C, p.Leu2964= (NM_001042723.2).
Identifiers: ClinVar variation 3385488 (VCV003385488.2).